The following is an entry in ClinVar:

NM_001002294.3(FMO3):c.1462A>G (p.Thr488Ala)

Gene: FMO3 (flavin containing dimethylaniline monoxygenase 3; plus strand). Cytogenetic location: 1q24.3.
Variant type: single nucleotide variant.
Coding change: c.1462A>G on transcript NM_001002294.3 (MANE Select); coding-DNA position 1462, A replaced by G.
Protein change: p.Thr488Ala; replaces threonine 488 with alanine.
Molecular consequence: missense variant.
Genome position (GRCh38, 1-based): chr1:171,117,305, A>G. VCF-style: chr1-171117305-A-G. GRCh37 (hg19) VCF-style: chr1-171086445-A-G.
Other names: c.1402A>G, p.Thr468Ala (NM_001319173.2); c.1273A>G, p.Thr425Ala (NM_001319174.2); c.1462A>G, p.Thr488Ala (NM_006894.6); short protein forms T425A, T468A, T488A.
Identifiers: ClinVar variation 875900 (VCV000875900.4), dbSNP rs761524692, ClinGen allele CA1240844.

ClinVar aggregate classification (germline): Uncertain significance (1 of 4 stars; one submission).

Conditions:
Trimethylaminuria (TMAU). Also called: FISH-ODOR SYNDROME; Fish malodor syndrome; Stale fish syndrome; TMAuria; Primary Trimethylaminuria. Identifiers: MedGen C0342739, MONDO:0011182, OMIM 602079, HP:0003614. Disease mechanism: loss of function.

Allele frequency attached by ClinVar (database versions not stated): TOPMed 0.00001; gnomAD exomes 0.00003; ExAC 0.00004.

Submission:

Illumina Laboratory Services, Illumina
Classification: Uncertain significance for Trimethylaminuria. Last evaluated: 2017-04-27. Review status: criteria provided, single submitter. Criteria: ICSL Variant Classification Criteria 13 December 2019. Collection method: clinical testing. Allele origin: germline.
Comment: This variant was observed as part of a predisposition screen in an ostensibly healthy population. A literature search was performed for the gene, cDNA change, and amino acid change (where applicable). Publications were found based on this search. However, the evidence from the literature, in combination with allele frequency data from public databases where available, was not sufficient to rule this variant in or out of causing disease. Therefore, this variant is classified as a variant of unknown significance.

Literature cited by the submitters: PubMed 23567996; PubMed 22819296.